The following is an entry in ClinVar:

ClinVar aggregate classification (germline): Uncertain significance. Review status: criteria provided, multiple submitters, no conflicts (2 of 4 stars). 2 submissions from 2 submitters: Uncertain significance (2). Last evaluated 2024-01-28.

Conditions:
Cardiovascular phenotype. Identifiers: MedGen CN230736.
Catecholaminergic polymorphic ventricular tachycardia 1. Also called: VENTRICULAR TACHYCARDIA, CATECHOLAMINERGIC POLYMORPHIC, 1, WITH OR WITHOUT ATRIAL DYSFUNCTION AND/OR DILATED CARDIOMYOPATHY; VENTRICULAR TACHYCARDIA, STRESS-INDUCED POLYMORPHIC 1; RYR2-Related Catecholaminergic Polymorphic Ventricular Tachycardia. Identifiers: Orphanet 3286, MedGen C1631597, MONDO:0011484, OMIM 604772.

Allele frequency attached by ClinVar (database versions not stated): gnomAD exomes below 0.00001; TOPMed 0.00001.
gnomAD v4.1: 2 of 1,611,972 alleles (0.00012%); highest among the groups gnomAD compares: Non-Finnish European, 0.00017%; no homozygotes.

Submissions (2):

Labcorp Genetics (formerly Invitae), Labcorp
Classification: Uncertain significance for Catecholaminergic polymorphic ventricular tachycardia 1. Last evaluated: 2024-01-28. Review status: criteria provided, single submitter. Criteria: Invitae Variant Classification Sherloc (09022015). Collection method: clinical testing. Allele origin: germline.
Comment: This sequence change replaces valine, which is neutral and non-polar, with alanine, which is neutral and non-polar, at codon 4697 of the RYR2 protein (p.Val4697Ala). This variant is present in population databases (no rsID available, gnomAD 0.0009%). This variant has not been reported in the literature in individuals affected with RYR2-related conditions. ClinVar contains an entry for this variant (Variation ID: 1771964). Algorithms developed to predict the effect of missense changes on protein structure and function output the following: SIFT: "Not Available"; PolyPhen-2: "Benign"; Align-GVGD: "Not Available". The alanine amino acid residue is found in multiple mammalian species, which suggests that this missense change does not adversely affect protein function. In summary, the available evidence is currently insufficient to determine the role of this variant in disease. Therefore, it has been classified as a Variant of Uncertain Significance.

Ambry Genetics
Classification: Uncertain significance for Cardiovascular phenotype. Last evaluated: 2019-08-27. Review status: criteria provided, single submitter. Criteria: Ambry Variant Classification Scheme 2023. Collection method: clinical testing. Allele origin: germline.
Comment: The p.V4697A variant (also known as c.14090T>C ), located in coding exon 97 of the RYR2 gene, results from a T to C substitution at nucleotide position 14090. The valine at codon 4697 is replaced by alanine, an amino acid with similar properties. This amino acid position is well conserved in available vertebrate species. In addition, the in silico prediction for this alteration is inconclusive. Since supporting evidence is limited at this time, the clinical significance of this alteration remains unclear.

NM_001035.3(RYR2):c.14090T>C (p.Val4697Ala)

Gene: RYR2 (ryanodine receptor 2; plus strand). Cytogenetic location: 1q43.
Variant type: single nucleotide variant.
Coding change: c.14090T>C on transcript NM_001035.3 (MANE Select); coding-DNA position 14090, T replaced by C.
Protein change: p.Val4697Ala; replaces valine 4697 with alanine.
Molecular consequence: missense variant.
Genome position (GRCh38, 1-based): chr1:237,798,170, T>C. VCF-style: chr1-237798170-T-C. GRCh37 (hg19) VCF-style: chr1-237961470-T-C.
Other names: short protein forms V4697A.
Identifiers: ClinVar variation 1771964 (VCV001771964.5), dbSNP rs1391313529, ClinGen allele CA345420129.